The following is an entry in ClinVar:

NM_004360.5(CDH1):c.832+17G>A

Gene: CDH1 (cadherin 1; plus strand). Cytogenetic location: 16q22.1.
Variant type: single nucleotide variant.
Coding change: c.832+17G>A on transcript NM_004360.5 (MANE Select); 17 bases into the intron after coding-DNA position 832, G replaced by A.
Molecular consequence: intron variant.
Genome position (GRCh38, 1-based): chr16:68,810,358, G>A. VCF-style: chr16-68810358-G-A. GRCh37 (hg19) VCF-style: chr16-68844261-G-A.
Other names: c.-784+17G>A (NM_001317185.2); c.-988+17G>A (NM_001317186.2); c.832+17G>A (NM_001317184.2, LRG_301t1).
Identifiers: ClinVar variation 371959 (VCV000371959.13), dbSNP rs373179391, ClinGen allele CA16042155.

ClinVar aggregate classification (germline): Likely benign. Review status: criteria provided, multiple submitters, no conflicts (2 of 4 stars). 4 submissions from 4 submitters: Likely benign (3). 1 of the submissions does not count toward it. Last evaluated 2025-11-05.

Conditions:
Hereditary cancer-predisposing syndrome. Also called: Tumor predisposition; Hereditary Cancer Syndrome; Hereditary neoplastic syndrome; Neoplastic Syndromes, Hereditary. Identifiers: Orphanet 140162, MedGen C0027672, MeSH D009386, MONDO:0015356.
Hereditary diffuse gastric adenocarcinoma (HDGC). Also called: DIFFUSE GASTRIC AND LOBULAR BREAST CANCER SYNDROME. Identifiers: Orphanet 26106, MedGen C1708349, MONDO:0007648, OMIM 137215.

gnomAD v4.1: 1 of 1,611,874 alleles (0.000062%); highest among the groups gnomAD compares: Non-Finnish European, 0.000085%; no homozygotes.

Submissions (4):

Labcorp Genetics (formerly Invitae), Labcorp
Classification: Likely benign for Hereditary diffuse gastric adenocarcinoma. Last evaluated: 2025-11-05. Review status: criteria provided, single submitter. Criteria: Invitae Variant Classification Sherloc (09022015). Collection method: clinical testing. Allele origin: germline.

Color Diagnostics, LLC DBA Color Health
Classification: Likely benign for Hereditary cancer-predisposing syndrome. Last evaluated: 2017-08-21. Review status: criteria provided, single submitter. Criteria: ACMG Guidelines, 2015. Collection method: clinical testing. Allele origin: germline.

GeneDx
Classification: Likely benign. Last evaluated: 2015-10-06. Review status: criteria provided, single submitter. Criteria: GeneDx Variant Classification (06012015). Collection method: clinical testing. Allele origin: germline. Affected: yes.
Comment: This variant is considered likely benign or benign based on one or more of the following criteria: it is a conservative change, it occurs at a poorly conserved position in the protein, it is predicted to be benign by multiple in silico algorithms, and/or has population frequency not consistent with disease.

Counsyl
Classification: Likely benign for Hereditary diffuse gastric adenocarcinoma. Last evaluated: 2016-09-12. Review status: no assertion criteria provided. Collection method: clinical testing. Allele origin: unknown. Not counted in ClinVar's aggregate classification.